The following is an entry in ClinVar:

NM_025137.4(SPG11):c.7112G>A (p.Arg2371Lys)

Gene: SPG11 (SPG11 vesicle trafficking associated, spatacsin; minus strand). Cytogenetic location: 15q21.1.
Variant type: single nucleotide variant.
Coding change: c.7112G>A on transcript NM_025137.4 (MANE Select); coding-DNA position 7112, G replaced by A.
Protein change: p.Arg2371Lys; replaces arginine 2371 with lysine.
Molecular consequence: missense variant.
Genome position (GRCh38, 1-based): chr15:44,564,586, C>T on the plus strand (G>A on the coding strand, the complement: SPG11 is on the minus strand). VCF-style: chr15-44564586-C-T. GRCh37 (hg19) VCF-style: chr15-44856784-C-T.
Other names: c.6773G>A, p.Arg2258Lys (NM_001160227.2); short protein forms R2258K, R2371K.
Identifiers: ClinVar variation 647848 (VCV000647848.4), dbSNP rs1595815301, ClinGen allele CA392212494.

ClinVar aggregate classification (germline): Uncertain significance (1 of 4 stars; one submission).

Conditions:
Hereditary spastic paraplegia 11. Also called: Spastic Paraplegia 11; SPASTIC PARAPLEGIA, AUTOSOMAL RECESSIVE, COMPLICATED, WITH THIN CORPUS CALLOSUM; SPASTIC PARAPLEGIA, AUTOSOMAL RECESSIVE, WITH MENTAL IMPAIRMENT AND THIN CORPUS CALLOSUM; Spastic paraplegia, mental retardation and thin corpus callosum; Nakamura Osame syndrome; Autosomal recessive hereditary spastic paraplegia, mental impairment, and thin corpus callosum. Identifiers: Orphanet 2822, MedGen C1858479, MONDO:0011445, OMIM 604360.

Allele frequency attached by ClinVar (database versions not stated): gnomAD exomes below 0.00001; TOPMed below 0.00001.

Submission:

Labcorp Genetics (formerly Invitae), Labcorp
Classification: Uncertain significance for Hereditary spastic paraplegia 11. Last evaluated: 2021-10-26. Review status: criteria provided, single submitter. Criteria: Invitae Variant Classification Sherloc (09022015). Collection method: clinical testing. Allele origin: germline.
Comment: This sequence change replaces arginine with lysine at codon 2371 of the SPG11 protein (p.Arg2371Lys). The arginine residue is moderately conserved and there is a small physicochemical difference between arginine and lysine. This variant is not present in population databases (ExAC no frequency). This variant has not been reported in the literature in individuals affected with SPG11-related conditions. Algorithms developed to predict the effect of missense changes on protein structure and function output the following: SIFT: "Tolerated"; PolyPhen-2: "Possibly Damaging"; Align-GVGD: "Class C0". The lysine amino acid residue is found in multiple mammalian species, which suggests that this missense change does not adversely affect protein function. In summary, the available evidence is currently insufficient to determine the role of this variant in disease. Therefore, it has been classified as a Variant of Uncertain Significance.